The following is an entry in ClinVar:

ClinVar aggregate classification (germline): Pathogenic (1 of 4 stars; one submission).

Conditions:
Autosomal recessive limb-girdle muscular dystrophy. Identifiers: Orphanet 102015, MedGen C2931907, MONDO:0015152.

Submission:

Myriad Genetics, Inc.
Classification: Pathogenic for Autosomal recessive limb-girdle muscular dystrophy. Last evaluated: 2025-05-10. Review status: criteria provided, single submitter. Criteria: Myriad Autosomal Dominant, Autosomal Recessive and X-Linked Classification Criteria (2023). Collection method: clinical testing. Allele origin: unknown.
Comment: NM_003494.3(DYSF):c.1374_1375dupAA(M459Kfs*2) is expected to be pathogenic in the context of dysferlinopathy. This variant is predicted to lead to an abnormal or absent protein product due to the creation of a premature termination codon in DYSF, a gene where loss-of-function variants are known to be pathogenic. Please note: this variant was assessed in the context of healthy population screening.

NM_001130987.2(DYSF):c.1470_1471dup (p.Met491fs)

Gene: DYSF (dysferlin; plus strand). Cytogenetic location: 2p13.2.
Variant type: Duplication.
Coding change: c.1470_1471dup on transcript NM_001130987.2 (MANE Select); coding-DNA positions 1470 to 1471, 2 bases duplicated (AA; older notation c.1470_1471dupAA).
Protein change: p.Met491fs; shifts the reading frame from methionine 491.
Molecular consequence: frameshift variant.
Genome position (GRCh38, 1-based): chr2:71,535,288-71,535,289, AA duplicated; duplicating any 2 consecutive bases within chr2:71,535,284-71,535,289 gives the same sequence; the c. name uses the placement nearest the transcript's 3' end. VCF-style (leftmost placement, unchanged base first): chr2-71535283-G-GAA. GRCh37 (hg19) VCF-style: chr2-71762413-G-GAA.
Other names: c.1377_1378dup, p.Met460fs (NM_001130455.2, NM_001130983.2, NM_001130984.2 and 1 more transcripts); c.1374_1375dup, p.Met459fs (NM_001130976.2, NM_001130977.2, NM_001130978.2 and 1 more transcripts); c.1467_1468dup, p.Met490fs (NM_001130979.2, NM_001130980.2, NM_001130981.2); c.1470_1471dup, p.Met491fs (NM_001130982.2, NM_001130985.2); short protein forms M459fs, M460fs, M490fs, M491fs.
Identifiers: ClinVar variation 5014418 (VCV005014418.1).